The following is an entry in ClinVar:

NM_198529.4(EFCAB5):c.42+1G>A

Gene: EFCAB5 (EF-hand calcium binding domain 5; plus strand). Cytogenetic location: 17q11.2.
Variant type: single nucleotide variant.
Coding change: c.42+1G>A on transcript NM_198529.4 (MANE Select); the canonical splice donor site of the intron after coding-DNA position 42, G replaced by A.
Molecular consequence: splice donor variant. On other transcripts: intron variant (1).
Genome position (GRCh38, 1-based): chr17:29,941,839, G>A. VCF-style: chr17-29941839-G-A. GRCh37 (hg19) VCF-style: chr17-28268857-G-A.
Other names: c.-126-401G>A (NM_001145053.2).
Identifiers: ClinVar variation 585108 (VCV000585108.27), dbSNP rs201197242, ClinGen allele CA8478486.
Genomic context (GRCh38, chr17:29,941,839, plus strand): 5'-ATAACTTTTGGAGTCCAAATGAATGAGTCAGCATCTCAAGAGGAACTCAGACCTGCTCAG[G>A]TTCTTGTCCTACATAGGTTTATCACATTTATGGGAAGATTTGAGATTCAACATTCTTGGG-3'

ClinVar aggregate classification (germline): Likely benign (1 of 4 stars; one submission).

Allele frequency attached by ClinVar (database versions not stated): 1000 Genomes Project 30x 0.00125; 1000 Genomes Project 0.00140; TOPMed 0.00302; gnomAD exomes 0.00379 and 0.00527; ESP Exome Variant Server 0.00426; gnomAD 0.00534 and 0.00559; ExAC 0.00702.
gnomAD v4.1: 6,290 of 1,602,532 alleles (0.39%); highest among the groups gnomAD compares: Non-Finnish European, 0.4%; 74 homozygotes.

Submissions (2):

CeGaT Center for Human Genetics Tuebingen
Classification: Likely benign. Last evaluated: 2023-02-01. Review status: criteria provided, single submitter. Criteria: CeGaT Center For Human Genetics Tuebingen Variant Classification Criteria Version 2. Collection method: clinical testing. Allele origin: germline. Affected: yes. Observed: 3 variant alleles.
Comment: EFCAB5: BS2

Dr. Peter K. Rogan Lab, Western University
No classification provided (evidence only). Condition: Malignant tumor of urinary bladder. Review status: no classification provided. Collection method: in vitro. Allele origin: not applicable. Functional consequence: retained intron. Not counted in ClinVar's aggregate classification.